The following is an entry in ClinVar:

NM_000059.4(BRCA2):c.8646_8649del (p.Lys2882fs)

Gene: BRCA2 (BRCA2 DNA repair associated; plus strand). Cytogenetic location: 13q13.1.
Variant type: Deletion.
Coding change: c.8646_8649del on transcript NM_000059.4 (MANE Select); coding-DNA positions 8646 to 8649, 4 bases deleted (ACCA; older notation c.8646_8649delACCA).
Protein change: p.Lys2882fs; shifts the reading frame from lysine 2882.
Molecular consequence: frameshift variant.
Genome position (GRCh38, 1-based): chr13:32,376,683-32,376,686, ACCA deleted; deleting any 4 consecutive bases within chr13:32,376,682-32,376,686 gives the same sequence; the c. name uses the placement nearest the transcript's 3' end. VCF-style (leftmost placement, unchanged base first): chr13-32376681-AAACC-A. GRCh37 (hg19) VCF-style: chr13-32950818-AAACC-A.
Other names: c.8646_8649delACCA (NM_000059.3); short protein forms K2882fs.
Identifiers: ClinVar variation 52649 (VCV000052649.3), dbSNP rs397508001, ClinGen allele CA025758.

ClinVar aggregate classification (germline): Pathogenic. Review status: reviewed by expert panel (3 of 4 stars). 2 submissions from 2 submitters: Pathogenic (1). 1 of the submissions does not count toward it. Last evaluated 2017-12-15.

Conditions:
Familial cancer of breast. Also called: BREAST CANCER, FAMILIAL; Hereditary breast cancer; hereditary breast carcinoma. Identifiers: Orphanet 227535, MedGen C0346153, MONDO:0016419, OMIM 114480. Disease mechanism: loss of function.
Breast-ovarian cancer, familial, susceptibility to, 2 (BROVCA2). Also called: BRCA2 Hereditary Breast and Ovarian Cancer. Identifiers: Orphanet 145, MedGen C2675520, MONDO:0012933, OMIM 612555. Disease mechanism: loss of function.

Submissions (2):

Evidence-based Network for the Interpretation of Germline Mutant Alleles (ENIGMA)
Classification: Pathogenic for Breast-ovarian cancer, familial, susceptibility to, 2. Last evaluated: 2017-12-15. Review status: reviewed by expert panel. Criteria: ENIGMA BRCA1/2 Classification Criteria (2017-06-29). Collection method: curation. Allele origin: germline. Study: ENIGMA.
Comment: Variant allele predicted to encode a truncated non-functional protein.

ClinVar Staff, National Center for Biotechnology Information (NCBI)
No classification provided. Condition: Familial cancer of breast. Review status: no classification provided. Collection method: literature only. Allele origin: germline. Affected: yes. Not counted in ClinVar's aggregate classification.

Literature cited by the submitters: PubMed 15876480 (cited by ClinVar Staff, National Center for Biotechnology Information (NCBI)).